The following is an entry in ClinVar:

NM_001220.5(CAMK2B):c.841A>G (p.Met281Val)

Gene: CAMK2B (calcium/calmodulin dependent protein kinase II beta; minus strand). Cytogenetic location: 7p13.
Variant type: single nucleotide variant.
Coding change: c.841A>G on transcript NM_001220.5 (MANE Select); coding-DNA position 841, A replaced by G.
Protein change: p.Met281Val; replaces methionine 281 with valine.
Molecular consequence: missense variant.
Genome position (GRCh38, 1-based): chr7:44,241,762, T>C on the plus strand (A>G on the coding strand, the complement: CAMK2B is on the minus strand). VCF-style: chr7-44241762-T-C. GRCh37 (hg19) VCF-style: chr7-44281361-T-C.
Other names: c.841A>G, p.Met281Val (NM_001293170.2, NM_172078.3, NM_172079.3 and 5 more transcripts); short protein forms M281V.
Identifiers: ClinVar variation 4292414 (VCV004292414.1).

ClinVar aggregate classification (germline): Uncertain significance (1 of 4 stars; one submission).

Conditions:
Intellectual developmental disorder, autosomal dominant 54. Also called: MENTAL RETARDATION, AUTOSOMAL DOMINANT 54; Intellectual disability, autosomal dominant 54. Identifiers: MedGen C4540484, MONDO:0030920, OMIM 617799.

gnomAD v4.1: 1 of 1,613,546 alleles (0.000062%); highest among the groups gnomAD compares: Non-Finnish European, 0.000085%; no homozygotes.

Submission:

3billion
Classification: Uncertain significance for Intellectual developmental disorder, autosomal dominant 54. Last evaluated: 2024-06-24. Review status: criteria provided, single submitter. Criteria: ACMG Guidelines, 2015. Collection method: clinical testing. Allele origin: germline. Affected: yes.
Comment: The variant is observed at an extremely low frequency in the gnomAD v4.0.0 dataset (total allele frequency: <0.001%). Predicted Consequence/Location: Missense changes are a common disease-causing mechanism. In silico tool predictions suggest damaging effect of the variant on gene or gene product [3Cnet: 0.63 (>=0.6, sensitivity 0.72 and precision 0.9)]. Therefore, this variant is classified as VUS according to the recommendation of ACMG/AMP guideline.